The following is an entry in ClinVar:

NM_001174147.2(LMX1B):c.600_604dup (p.Gln202fs)

Gene: LMX1B (LIM homeobox transcription factor 1 beta; plus strand). Cytogenetic location: 9q33.3.
Variant type: Duplication.
Coding change: c.600_604dup on transcript NM_001174147.2 (MANE Select); coding-DNA positions 600 to 604, 5 bases duplicated (GGGGC; older notation c.600_604dupGGGGC).
Protein change: p.Gln202fs; shifts the reading frame from glutamine 202.
Molecular consequence: frameshift variant.
Genome position (GRCh38, 1-based): chr9:126,693,182-126,693,186, GGGGC duplicated. VCF-style (leftmost placement, unchanged base first): chr9-126693181-A-AGGGGC. GRCh37 (hg19) VCF-style: chr9-129455460-A-AGGGGC.
Other names: c.600_604dup, p.Gln202fs (NM_001174146.2, NM_002316.4); short protein forms Q202fs.
Identifiers: ClinVar variation 2825942 (VCV002825942.3), dbSNP rs2490687658, ClinGen allele CA2739265031.
Genomic context (GRCh38, chr9:126,693,181, plus strand): 5'-GCCGGGTTGTGTCCCCCACAGTGAAGAGCGAGGATGAAGATGGGGACATGAAGCCGGCCA[A>AGGGGC]GGGGCAGGGCAGTCAGAGCAAGGGCAGCGGGGATGACGGGAAGGACCCGCGGAGGCCCAA-3'

ClinVar aggregate classification (germline): Pathogenic (1 of 4 stars; one submission).

Submission:

Labcorp Genetics (formerly Invitae), Labcorp
Classification: Pathogenic. Last evaluated: 2023-01-02. Review status: criteria provided, single submitter. Criteria: Invitae Variant Classification Sherloc (09022015). Collection method: clinical testing. Allele origin: germline.
Comment: For these reasons, this variant has been classified as Pathogenic. This variant has not been reported in the literature in individuals affected with LMX1B-related conditions. This variant is not present in population databases (gnomAD no frequency). This sequence change creates a premature translational stop signal (p.Gln202Argfs*75) in the LMX1B gene. It is expected to result in an absent or disrupted protein product. Loss-of-function variants in LMX1B are known to be pathogenic (PMID: 9590287, 15498463).

Literature cited by the submitters: PubMed 9590287; PubMed 15498463.